The following is an entry in ClinVar:

NM_182961.4(SYNE1):c.12185G>A (p.Ser4062Asn)

Gene: SYNE1 (spectrin repeat containing nuclear envelope protein 1; minus strand). Cytogenetic location: 6q25.2.
Variant type: single nucleotide variant.
Coding change: c.12185G>A on transcript NM_182961.4 (MANE Select); coding-DNA position 12185, G replaced by A.
Protein change: p.Ser4062Asn; replaces serine 4062 with asparagine.
Molecular consequence: missense variant.
Genome position (GRCh38, 1-based): chr6:152,344,121, C>T on the plus strand (G>A on the coding strand, the complement: SYNE1 is on the minus strand). VCF-style: chr6-152344121-C-T. GRCh37 (hg19) VCF-style: chr6-152665256-C-T.
Other names: c.11972G>A, p.Ser3991Asn (NM_033071.5); short protein forms S3991N, S4062N.
Identifiers: ClinVar variation 1943980 (VCV001943980.5), dbSNP rs370030947, ClinGen allele CA4056485.

ClinVar aggregate classification (germline): Uncertain significance (1 of 4 stars; one submission).

Conditions:
Emery-Dreifuss muscular dystrophy 4, autosomal dominant (EDMD4). Also called: EMERY-DREIFUSS MUSCULAR DYSTROPHY 4 WITH VARIABLE FEATURES. Identifiers: Orphanet 261, MedGen C2751807, MONDO:0013071, OMIM 612998.
Autosomal recessive ataxia, Beauce type. Also called: SYNE1 Deficiency; Spinocerebellar ataxia, autosomal recessive 8; ATAXIA, RECESSIVE, OF BEAUCE; SYNE1-Related Autosomal Recessive Cerebellar Ataxia. Identifiers: Orphanet 88644, MedGen C1853116, MONDO:0012549, OMIM 610743.

Allele frequency attached by ClinVar (database versions not stated): gnomAD 0.00001; ExAC 0.00002; gnomAD exomes 0.00002; TOPMed 0.00003; ESP Exome Variant Server 0.00008.
gnomAD v4.1: 25 of 1,614,062 alleles (0.0015%); highest among the groups gnomAD compares: Non-Finnish European, 0.002%; no homozygotes.

Submission:

Labcorp Genetics (formerly Invitae), Labcorp
Classification: Uncertain significance for Emery-Dreifuss muscular dystrophy 4, autosomal dominant; Autosomal recessive ataxia, Beauce type. Last evaluated: 2022-02-20. Review status: criteria provided, single submitter. Criteria: Invitae Variant Classification Sherloc (09022015). Collection method: clinical testing. Allele origin: germline.
Comment: In summary, the available evidence is currently insufficient to determine the role of this variant in disease. Therefore, it has been classified as a Variant of Uncertain Significance. Algorithms developed to predict the effect of missense changes on protein structure and function (SIFT, PolyPhen-2, Align-GVGD) all suggest that this variant is likely to be tolerated. This variant has not been reported in the literature in individuals affected with SYNE1-related conditions. This variant is present in population databases (rs370030947, gnomAD 0.004%). This sequence change replaces serine, which is neutral and polar, with asparagine, which is neutral and polar, at codon 3991 of the SYNE1 protein (p.Ser3991Asn).